The following is an entry in ClinVar:

ClinVar aggregate classification (germline): Uncertain significance. Review status: criteria provided, multiple submitters, no conflicts (2 of 4 stars). 2 submissions from 2 submitters: Uncertain significance (2). Last evaluated 2022-01-03.

Conditions:
Townes-Brocks syndrome 1 (TBS1). Also called: DEAFNESS, SENSORINEURAL, WITH IMPERFORATE ANUS AND THUMB ANOMALIES; REAR SYNDROME; RENAL-EAR-ANAL-RADIAL SYNDROME; SALL1-Related Townes-Brocks Syndrome. Identifiers: Orphanet 857, MedGen C4551481, MONDO:0054581, OMIM 107480.
Townes syndrome (TBS). Also called: Townes-Brocks syndrome. Identifiers: Orphanet 857, MedGen C0265246, MeSH C536974, MONDO:0007142.

Allele frequency attached by ClinVar (database versions not stated): gnomAD 0.00001; TOPMed 0.00002.
gnomAD v4.1: 2 of 1,614,104 alleles (0.00012%); highest among the groups gnomAD compares: African/African-American, 0.0027%; no homozygotes.

Submissions (2):

Fulgent Genetics
Classification: Uncertain significance for Townes-Brocks syndrome 1. Last evaluated: 2022-01-03. Review status: criteria provided, single submitter. Criteria: ACMG Guidelines, 2015. Collection method: clinical testing. Allele origin: unknown.

Labcorp Genetics (formerly Invitae), Labcorp
Classification: Uncertain significance for Townes syndrome. Last evaluated: 2020-01-10. Review status: criteria provided, single submitter. Criteria: Invitae Variant Classification Sherloc (09022015). Collection method: clinical testing. Allele origin: germline.
Comment: In summary, the available evidence is currently insufficient to determine the role of this variant in disease. Therefore, it has been classified as a Variant of Uncertain Significance. Algorithms developed to predict the effect of missense changes on protein structure and function are either unavailable or do not agree on the potential impact of this missense change (SIFT: "Tolerated"; PolyPhen-2: "Possibly Damaging"; Align-GVGD: "Class C0"). This variant has not been reported in the literature in individuals with SALL1-related conditions. This variant is not present in population databases (ExAC no frequency). This sequence change replaces isoleucine with valine at codon 1030 of the SALL1 protein (p.Ile1030Val). The isoleucine residue is highly conserved and there is a small physicochemical difference between isoleucine and valine.

NM_002968.3(SALL1):c.3088A>G (p.Ile1030Val)

Gene: SALL1 (spalt like transcription factor 1; minus strand). Cytogenetic location: 16q12.1.
Variant type: single nucleotide variant.
Coding change: c.3088A>G on transcript NM_002968.3 (MANE Select); coding-DNA position 3088, A replaced by G.
Protein change: p.Ile1030Val; replaces isoleucine 1030 with valine.
Molecular consequence: missense variant.
Genome position (GRCh38, 1-based): chr16:51,139,134, T>C on the plus strand (A>G on the coding strand, the complement: SALL1 is on the minus strand). VCF-style: chr16-51139134-T-C. GRCh37 (hg19) VCF-style: chr16-51173045-T-C.
Other names: c.2797A>G, p.Ile933Val (NM_001127892.2); short protein forms I1030V, I933V.
Identifiers: ClinVar variation 1006535 (VCV001006535.12), dbSNP rs1238657472, ClinGen allele CA395881976.